The following is an entry in ClinVar:

NM_007286.6(SYNPO):c.2011G>A (p.Ala671Thr)

Gene: SYNPO (synaptopodin; plus strand). Cytogenetic location: 5q33.1.
Variant type: single nucleotide variant.
Coding change: c.2011G>A on transcript NM_007286.6 (MANE Select); coding-DNA position 2011, G replaced by A.
Protein change: p.Ala671Thr; replaces alanine 671 with threonine.
Molecular consequence: missense variant.
Genome position (GRCh38, 1-based): chr5:150,650,286, G>A. VCF-style: chr5-150650286-G-A. GRCh37 (hg19) VCF-style: chr5-150029848-G-A.
Other names: c.2011G>A, p.Ala671Thr (NM_001109974.3); c.2743G>A, p.Ala915Thr (NM_001166208.2, NM_001166209.2); short protein forms A915T, A671T.
Identifiers: ClinVar variation 3172859 (VCV003172859.2), dbSNP rs371550943, ClinGen allele CA3513543.

ClinVar aggregate classification (germline): Uncertain significance. Review status: criteria provided, multiple submitters, no conflicts (2 of 4 stars). 2 submissions from 2 submitters: Uncertain significance (2). Last evaluated 2026-02-01.

Allele frequency attached by ClinVar (database versions not stated): gnomAD 0.00001; ESP Exome Variant Server 0.00008.
gnomAD v4.1: 40 of 1,613,994 alleles (0.0025%); highest among the groups gnomAD compares: Non-Finnish European, 0.0031%; no homozygotes.

Submissions (2):

Labcorp Genetics (formerly Invitae), Labcorp
Classification: Uncertain significance. Last evaluated: 2026-02-01. Review status: criteria provided, single submitter. Criteria: Invitae Variant Classification Sherloc (09022015). Collection method: clinical testing. Allele origin: germline.
Comment: This sequence change replaces alanine, which is neutral and non-polar, with threonine, which is neutral and polar, at codon 671 of the SYNPO protein (p.Ala671Thr). This variant is present in population databases (rs371550943, gnomAD 0.004%). This variant has not been reported in the literature in individuals affected with SYNPO-related conditions. ClinVar contains an entry for this variant (Variation ID: 3172859). An algorithm developed to predict the effect of missense changes on protein structure and function (PolyPhen-2) suggests that this variant is likely to be disruptive. In summary, the available evidence is currently insufficient to determine the role of this variant in disease. Therefore, it has been classified as a Variant of Uncertain Significance.

Ambry Genetics
Classification: Uncertain significance. Last evaluated: 2023-12-21. Review status: criteria provided, single submitter. Criteria: Ambry Variant Classification Scheme 2023. Collection method: clinical testing. Allele origin: germline.